The following is an entry in ClinVar:

NM_000531.6(OTC):c.634G>A (p.Gly212Arg)

Gene: OTC (ornithine transcarbamylase; plus strand). Cytogenetic location: Xp11.4.
Variant type: single nucleotide variant.
Coding change: c.634G>A on transcript NM_000531.6 (MANE Select); coding-DNA position 634, G replaced by A.
Protein change: p.Gly212Arg; replaces glycine 212 with arginine.
Molecular consequence: missense variant.
Genome position (GRCh38, 1-based): chrX:38,403,711, G>A. VCF-style: chrX-38403711-G-A. GRCh37 (hg19) VCF-style: chrX-38262964-G-A.
Other names: c.634G>A, p.Gly212Arg (NM_001407092.1); short protein forms G212R.
Identifiers: ClinVar variation 2041183 (VCV002041183.6), dbSNP rs772049322, ClinGen allele CA10385901.

ClinVar aggregate classification (germline): Likely benign. Review status: criteria provided, single submitter (1 of 4 stars). 2 submissions from 2 submitters: Likely benign (1). 1 of the submissions does not count toward it. Last evaluated 2025-08-13.

Conditions:
Ornithine carbamoyltransferase deficiency (OTCD). Also called: OTC DEFICIENCY; ORNITHINE TRANSCARBAMYLASE DEFICIENCY; ORNITHINE TRANSCARBAMYLASE DEFICIENCY, HYPERAMMONEMIA DUE TO; Ornithine Carbamoyltransferase Deficiency Disease. Identifiers: Orphanet 664, MedGen C0268542, MONDO:0010703, OMIM 311250.

Allele frequency attached by ClinVar (database versions not stated): TOPMed 0.00002; gnomAD exomes 0.00003; ExAC 0.00005; gnomAD 0.00005.
gnomAD v4.1: 45 of 1,209,043 alleles (0.0037%); highest among the groups gnomAD compares: Non-Finnish European, 0.0041%; no homozygotes.

Submissions (2):

Labcorp Genetics (formerly Invitae), Labcorp
Classification: Likely benign for Ornithine carbamoyltransferase deficiency. Last evaluated: 2025-08-13. Review status: criteria provided, single submitter. Criteria: Invitae Variant Classification Sherloc (09022015). Collection method: clinical testing. Allele origin: germline.

Hainan Provincial Key Laboratory for Human Reproductive Medicine and Genetic Research
Classification: Likely benign for Ornithine carbamoyltransferase deficiency. Review status: no assertion criteria provided. Collection method: clinical testing. Allele origin: maternal. Inheritance: X-linked inheritance. Affected: yes. Observed: 1 hemizygote. Not counted in ClinVar's aggregate classification.